The following is an entry in ClinVar:

NM_018136.5(ASPM):c.1550_1575dup (p.Gly526fs)

Gene: ASPM (assembly factor for spindle microtubules; minus strand). Cytogenetic location: 1q31.3.
Variant type: Duplication.
Coding change: c.1550_1575dup on transcript NM_018136.5 (MANE Select); coding-DNA positions 1550 to 1575, 26 bases duplicated (CAAAAAGATGTCTCAACAGTGCAGTG).
Protein change: p.Gly526fs; shifts the reading frame from glycine 526.
Molecular consequence: frameshift variant.
Genome position (GRCh38, 1-based): chr1:197,142,677-197,142,702, CACTGCACTGTTGAGACATCTTTTTG duplicated on the plus strand (CAAAAAGATGTCTCAACAGTGCAGTG on the coding strand, the reverse complement: ASPM is on the minus strand); duplicating any 26 consecutive bases within chr1:197,142,677-197,142,703 gives the same sequence; the c. name uses the placement nearest the transcript's 3' end. VCF-style (leftmost placement, unchanged base first): chr1-197142676-C-CCACTGCACTGTTGAGACATCTTTTTG. GRCh37 (hg19) VCF-style: chr1-197111806-C-CCACTGCACTGTTGAGACATCTTTTTG.
Other names: c.1550_1575dup, p.Gly526fs (NM_001206846.2); short protein forms G526fs.
Identifiers: ClinVar variation 2014461 (VCV002014461.4), dbSNP rs2527402336, ClinGen allele CA2580061822.

ClinVar aggregate classification (germline): Pathogenic (1 of 4 stars; one submission).

Submission:

Labcorp Genetics (formerly Invitae), Labcorp
Classification: Pathogenic. Last evaluated: 2022-07-06. Review status: criteria provided, single submitter. Criteria: Invitae Variant Classification Sherloc (09022015). Collection method: clinical testing. Allele origin: germline.
Comment: For these reasons, this variant has been classified as Pathogenic. This variant has not been reported in the literature in individuals affected with ASPM-related conditions. This sequence change creates a premature translational stop signal (p.Gly526Glnfs*15) in the ASPM gene. It is expected to result in an absent or disrupted protein product. Loss-of-function variants in ASPM are known to be pathogenic (PMID: 19028728, 23611254). This variant is not present in population databases (gnomAD no frequency).

Literature cited by the submitters: PubMed 19028728; PubMed 23611254.